The following is an entry in ClinVar:

ClinVar aggregate classification (germline): Benign (1 of 4 stars; one submission).

Conditions:
Thyroid hormone resistance, generalized, autosomal dominant (GRTHD). Also called: HYPERTHYROXINEMIA, FAMILIAL EUTHYROID, SECONDARY TO PITUITARY AND PERIPHERAL RESISTANCE TO THYROID HORMONES. Identifiers: MedGen C2937288, MONDO:0008569, OMIM 188570.

Allele frequency attached by ClinVar (database versions not stated): gnomAD 0.00018 and 0.00020; TOPMed 0.00019; 1000 Genomes Project 0.00040; 1000 Genomes Project 30x 0.00062.

Submission:

Illumina Laboratory Services, Illumina
Classification: Benign for Thyroid hormone resistance, generalized, autosomal dominant. Last evaluated: 2018-01-13. Review status: criteria provided, single submitter. Criteria: ICSL Variant Classification Criteria 13 December 2019. Collection method: clinical testing. Allele origin: germline.
Comment: This variant was observed in the ICSL laboratory as part of a predisposition screen in an ostensibly healthy population. It had not been previously curated by ICSL or reported in the Human Gene Mutation Database (HGMD: prior to June 1st, 2018), and was therefore a candidate for classification through an automated scoring system. Utilizing variant allele frequency, disease prevalence and penetrance estimates, and inheritance mode, an automated score was calculated to assess if this variant is too frequent to cause the disease. Based on the score and internal cut-off values, a variant classified as benign is not then subjected to further curation. The score for this variant resulted in a classification of benign for this disease.

NM_001354712.2(THRB):c.*4917G>A

Gene: THRB (thyroid hormone receptor beta; minus strand). Cytogenetic location: 3p24.2.
Variant type: single nucleotide variant.
Coding change: c.*4917G>A on transcript NM_001354712.2 (MANE Select); 4917 bases downstream of the stop codon, G replaced by A.
Molecular consequence: 3 prime UTR variant.
Genome position (GRCh38, 1-based): chr3:24,117,967, C>T on the plus strand (G>A on the coding strand, the complement: THRB is on the minus strand). VCF-style: chr3-24117967-C-T. GRCh37 (hg19) VCF-style: chr3-24159458-C-T.
Other names: c.*4917G>A (NM_000461.5, NM_001128176.3, NM_001128177.2 and 8 more transcripts).
Identifiers: ClinVar variation 344549 (VCV000344549.5), dbSNP rs539558452, ClinGen allele CA10616004.
Genomic context (GRCh38, chr3:24,117,967, plus strand): 5'-TCCTGAATAATTTGAGATGAGAAGATGAATGTTGTCCTTGAGCTGCAAAACTTCACCTCT[C>T]TCCTCCCTTCATCTTTGTGGCCCCTTCCAAAGAGGTAACCCCCCATCAGCATTTTACTTA-3'